The following is an entry in ClinVar:

ClinVar aggregate classification (germline): Uncertain significance. Review status: criteria provided, multiple submitters, no conflicts (2 of 4 stars). 2 submissions from 2 submitters: Uncertain significance (2). Last evaluated 2026-01-05.

Conditions:
Developmental and epileptic encephalopathy, 1 (DEE1). Also called: Epileptic encephalopathy, early infantile, 1; X-linked infantile spasms; West's syndrome; Tonic spasms with clustering, arrest of psychomotor development and hypsarrhythmia on EEG; X-Linked Infantile Spasm Syndrome; OHTAHARA SYNDROME, X-LINKED. Identifiers: MedGen C3463992, MONDO:0010632, OMIM 308350. Disease mechanism: loss of function.
Autosomal dominant nonsyndromic hearing loss 65. Also called: TBC1D24-Related Autosomal Dominant Nonsyndromic Hearing Loss (DFNA); Deafness, autosomal dominant 65. Identifiers: Orphanet 90635, MedGen C3892048, MONDO:0014470, OMIM 616044.
Familial infantile myoclonic epilepsy (FIME). Also called: Epilepsy, Myoclonic, Infantile; TBC1D24-Related Familial Infantile Myoclonic Epilepsy (FIME). Identifiers: Orphanet 352582, MedGen C0917800, MONDO:0011506, OMIM 605021.

Allele frequency attached by ClinVar (database versions not stated): ExAC 0.00002; gnomAD 0.00002 and 0.00001; TOPMed 0.00001; gnomAD exomes 0.00001; 1000 Genomes Project 30x 0.00016.
gnomAD v4.1: 30 of 1,613,722 alleles (0.0019%); highest among the groups gnomAD compares: African/African-American, 0.008%; no homozygotes.

Submissions (2):

Labcorp Genetics (formerly Invitae), Labcorp
Classification: Uncertain significance for Developmental and epileptic encephalopathy, 1; Autosomal dominant nonsyndromic hearing loss 65. Last evaluated: 2026-01-05. Review status: criteria provided, single submitter. Criteria: Invitae Variant Classification Sherloc (09022015). Collection method: clinical testing. Allele origin: germline.
Comment: This sequence change replaces alanine, which is neutral and non-polar, with threonine, which is neutral and polar, at codon 49 of the TBC1D24 protein (p.Ala49Thr). This variant is present in population databases (rs758665573, gnomAD 0.004%). This variant has not been reported in the literature in individuals affected with TBC1D24-related conditions. ClinVar contains an entry for this variant (Variation ID: 318611). Invitae Evidence Modeling of protein sequence and biophysical properties (such as structural, functional, and spatial information, amino acid conservation, physicochemical variation, residue mobility, and thermodynamic stability) indicates that this missense variant is not expected to disrupt TBC1D24 protein function with a negative predictive value of 95%. In summary, the available evidence is currently insufficient to determine the role of this variant in disease. Therefore, it has been classified as a Variant of Uncertain Significance.

Illumina Laboratory Services, Illumina
Classification: Uncertain significance for Familial infantile myoclonic epilepsy. Last evaluated: 2018-01-12. Review status: criteria provided, single submitter. Criteria: ICSL Variant Classification Criteria 13 December 2019. Collection method: clinical testing. Allele origin: germline.

NM_001199107.2(TBC1D24):c.145G>A (p.Ala49Thr)

Gene: TBC1D24 (TBC1 domain family member 24; plus strand). Cytogenetic location: 16p13.3.
Variant type: single nucleotide variant.
Coding change: c.145G>A on transcript NM_001199107.2 (MANE Select); coding-DNA position 145, G replaced by A.
Protein change: p.Ala49Thr; replaces alanine 49 with threonine.
Molecular consequence: missense variant.
Genome position (GRCh38, 1-based): chr16:2,496,293, G>A. VCF-style: chr16-2496293-G-A. GRCh37 (hg19) VCF-style: chr16-2546294-G-A.
Other names: c.145G>A, p.Ala49Thr (NM_020705.3); short protein forms A49T.
Identifiers: ClinVar variation 318611 (VCV000318611.9), dbSNP rs758665573, ClinGen allele CA7843932.